The following is an entry in ClinVar:

NM_001164665.2(KIAA1549):c.2641A>G (p.Thr881Ala)

Gene: KIAA1549 (KIAA1549; minus strand). Cytogenetic location: 7q34.
Variant type: single nucleotide variant.
Coding change: c.2641A>G on transcript NM_001164665.2 (MANE Select); coding-DNA position 2641, A replaced by G.
Protein change: p.Thr881Ala; replaces threonine 881 with alanine.
Molecular consequence: missense variant.
Genome position (GRCh38, 1-based): chr7:138,916,985, T>C on the plus strand (A>G on the coding strand, the complement: KIAA1549 is on the minus strand). VCF-style: chr7-138916985-T-C. GRCh37 (hg19) VCF-style: chr7-138601731-T-C.
Other names: c.2641A>G, p.Thr881Ala (NM_020910.3); short protein forms T881A.
Identifiers: ClinVar variation 2098692 (VCV002098692.4), dbSNP rs2485555591, ClinGen allele CA369392264.

ClinVar aggregate classification (germline): Uncertain significance (1 of 4 stars; one submission).

Submission:

Labcorp Genetics (formerly Invitae), Labcorp
Classification: Uncertain significance. Last evaluated: 2022-10-05. Review status: criteria provided, single submitter. Criteria: Invitae Variant Classification Sherloc (09022015). Collection method: clinical testing. Allele origin: germline.
Comment: In summary, the available evidence is currently insufficient to determine the role of this variant in disease. Therefore, it has been classified as a Variant of Uncertain Significance. Algorithms developed to predict the effect of missense changes on protein structure and function output the following: SIFT: "Tolerated"; PolyPhen-2: "Benign"; Align-GVGD: "Class C0". The alanine amino acid residue is found in multiple mammalian species, which suggests that this missense change does not adversely affect protein function. This variant has not been reported in the literature in individuals affected with KIAA1549-related conditions. This variant is not present in population databases (gnomAD no frequency). This sequence change replaces threonine, which is neutral and polar, with alanine, which is neutral and non-polar, at codon 881 of the KIAA1549 protein (p.Thr881Ala).